The following is an entry in ClinVar:

NM_005422.4(TECTA):c.6071T>A (p.Val2024Asp)

Genes: TBCEL-TECTA (TBCEL-TECTA readthrough; plus strand), TECTA (tectorin alpha; plus strand). Cytogenetic location: 11q23.3.
Variant type: single nucleotide variant.
Coding change: c.6071T>A on transcript NM_005422.4 (MANE Select); coding-DNA position 6071, T replaced by A.
Protein change: p.Val2024Asp; replaces valine 2024 with aspartic acid.
Molecular consequence: missense variant.
Genome position (GRCh38, 1-based): chr11:121,187,903, T>A. VCF-style: chr11-121187903-T-A. GRCh37 (hg19) VCF-style: chr11-121058612-T-A.
Other names: c.7013T>A, p.Val2338Asp (NM_001378761.1); short protein forms V2024D, V2338D.
Identifiers: ClinVar variation 4800643 (VCV004800643.1).

ClinVar aggregate classification (germline): Uncertain significance (1 of 4 stars; one submission).

Submission:

Labcorp Genetics (formerly Invitae), Labcorp
Classification: Uncertain significance. Last evaluated: 2025-06-17. Review status: criteria provided, single submitter. Criteria: Invitae Variant Classification Sherloc (09022015). Collection method: clinical testing. Allele origin: germline.
Comment: This sequence change replaces valine, which is neutral and non-polar, with aspartic acid, which is acidic and polar, at codon 2024 of the TECTA protein (p.Val2024Asp). This variant is not present in population databases (gnomAD no frequency). This variant has not been reported in the literature in individuals affected with TECTA-related conditions. Invitae Evidence Modeling of protein sequence and biophysical properties (such as structural, functional, and spatial information, amino acid conservation, physicochemical variation, residue mobility, and thermodynamic stability) has been performed for this missense variant. However, the output from this modeling did not meet the statistical confidence thresholds required to predict the impact of this variant on TECTA protein function. In summary, the available evidence is currently insufficient to determine the role of this variant in disease. Therefore, it has been classified as a Variant of Uncertain Significance.